The following is an entry in ClinVar:

NM_005188.4(CBL):c.2406G>A (p.Trp802Ter)

Gene: CBL (Cbl proto-oncogene; plus strand). Cytogenetic location: 11q23.3.
Variant type: single nucleotide variant.
Coding change: c.2406G>A on transcript NM_005188.4 (MANE Select); coding-DNA position 2406, G replaced by A.
Protein change: p.Trp802Ter; replaces tryptophan 802 with a stop codon.
Molecular consequence: nonsense.
Genome position (GRCh38, 1-based): chr11:119,298,512, G>A. VCF-style: chr11-119298512-G-A. GRCh37 (hg19) VCF-style: chr11-119169222-G-A.
Other names: short protein forms W802*.
Identifiers: ClinVar variation 2865242 (VCV002865242.3), dbSNP rs2135321290, ClinGen allele CA382930247.

ClinVar aggregate classification (germline): Uncertain significance (1 of 4 stars; one submission).

Conditions:
RASopathy. Also called: Noonan spectrum disorder; rasopathies. Identifiers: Orphanet 536391, MedGen C5555857, MONDO:0021060.

Submission:

Labcorp Genetics (formerly Invitae), Labcorp
Classification: Uncertain significance for RASopathy. Last evaluated: 2025-04-28. Review status: criteria provided, single submitter. Criteria: Invitae Variant Classification Sherloc (09022015). Collection method: clinical testing. Allele origin: germline.
Comment: This sequence change creates a premature translational stop signal (p.Trp802*) in the CBL gene. While this is not anticipated to result in nonsense mediated decay, it is expected to disrupt the last 105 amino acid(s) of the CBL protein. This variant is not present in population databases (gnomAD no frequency). This variant has not been reported in the literature in individuals affected with CBL-related conditions. ClinVar contains an entry for this variant (Variation ID: 2865242). In summary, the available evidence is currently insufficient to determine the role of this variant in disease. Therefore, it has been classified as a Variant of Uncertain Significance.